The following is an entry in ClinVar:

ClinVar aggregate classification (germline): Uncertain significance. Review status: criteria provided, multiple submitters, no conflicts (2 of 4 stars). 2 submissions from 2 submitters: Uncertain significance (2). Last evaluated 2023-09-10.

Conditions:
Fanconi anemia complementation group I (FANCI). Also called: FANCI-Related Fanconi Anemia. Identifiers: Orphanet 84, MedGen C1836861, MONDO:0012186, OMIM 609053.
Fanconi anemia (FA). Also called: Fanconi's anemia. Identifiers: Orphanet 84, MedGen C0015625, MeSH D005199, MONDO:0019391.

Allele frequency attached by ClinVar (database versions not stated): TOPMed 0.00001; ExAC 0.00002; gnomAD 0.00002; gnomAD exomes 0.00002.
gnomAD v4.1: 29 of 1,614,072 alleles (0.0018%); highest among the groups gnomAD compares: Non-Finnish European, 0.0024%; no homozygotes.

Submissions (2):

Labcorp Genetics (formerly Invitae), Labcorp
Classification: Uncertain significance for Fanconi anemia. Last evaluated: 2023-09-10. Review status: criteria provided, single submitter. Criteria: Invitae Variant Classification Sherloc (09022015). Collection method: clinical testing. Allele origin: germline.
Comment: This variant is present in population databases (rs764641724, gnomAD 0.004%). This sequence change replaces histidine, which is basic and polar, with arginine, which is basic and polar, at codon 292 of the FANCI protein (p.His292Arg). This variant has not been reported in the literature in individuals affected with FANCI-related conditions. ClinVar contains an entry for this variant (Variation ID: 1415906). Advanced modeling of protein sequence and biophysical properties (such as structural, functional, and spatial information, amino acid conservation, physicochemical variation, residue mobility, and thermodynamic stability) performed at Invitae indicates that this missense variant is not expected to disrupt FANCI protein function. In summary, the available evidence is currently insufficient to determine the role of this variant in disease. Therefore, it has been classified as a Variant of Uncertain Significance.

Fulgent Genetics
Classification: Uncertain significance for Fanconi anemia complementation group I. Last evaluated: 2022-04-11. Review status: criteria provided, single submitter. Criteria: ACMG Guidelines, 2015. Collection method: clinical testing. Allele origin: unknown.

NM_001113378.2(FANCI):c.875A>G (p.His292Arg)

Gene: FANCI (FA complementation group I; plus strand). Cytogenetic location: 15q26.1.
Variant type: single nucleotide variant.
Coding change: c.875A>G on transcript NM_001113378.2 (MANE Select); coding-DNA position 875, A replaced by G.
Protein change: p.His292Arg; replaces histidine 292 with arginine.
Molecular consequence: missense variant.
Genome position (GRCh38, 1-based): chr15:89,268,518, A>G. VCF-style: chr15-89268518-A-G. GRCh37 (hg19) VCF-style: chr15-89811749-A-G.
Other names: c.596A>G, p.His199Arg (NM_001376910.1); c.875A>G, p.His292Arg (NM_001376911.1, NM_018193.3); short protein forms H199R, H292R.
Identifiers: ClinVar variation 1415906 (VCV001415906.5), dbSNP rs764641724, ClinGen allele CA7722790.